The following is an entry in ClinVar:

ClinVar aggregate classification (germline): Uncertain significance (1 of 4 stars; one submission).

gnomAD v4.1: 1 of 1,613,774 alleles (0.000062%); highest among the groups gnomAD compares: Non-Finnish European, 0.000085%; no homozygotes.

Submission:

GeneDx
Classification: Uncertain significance. Last evaluated: 2024-06-07. Review status: criteria provided, single submitter. Criteria: GeneDx Variant Classification Process June 2021. Collection method: clinical testing. Allele origin: germline. Affected: yes.
Comment: Not observed at significant frequency in large population cohorts (gnomAD); In silico analysis indicates that this missense variant does not alter protein structure/function; Has not been previously published as pathogenic or benign to our knowledge

NM_015001.3(SPEN):c.8164C>T (p.Pro2722Ser)

Gene: SPEN (spen family transcriptional repressor; plus strand). Cytogenetic location: 1p36.13.
Variant type: single nucleotide variant.
Coding change: c.8164C>T on transcript NM_015001.3 (MANE Select); coding-DNA position 8164, C replaced by T.
Protein change: p.Pro2722Ser; replaces proline 2722 with serine.
Molecular consequence: missense variant.
Genome position (GRCh38, 1-based): chr1:15,934,404, C>T. VCF-style: chr1-15934404-C-T. GRCh37 (hg19) VCF-style: chr1-16260899-C-T.
Other names: short protein forms P2722S.
Identifiers: ClinVar variation 3384326 (VCV003384326.1).
Genomic context (GRCh38, chr1:15,934,404, plus strand): 5'-GGGCCAGTGAATGTTCTCACCACTCCAGTGAACGCCACGGTGGGCACAGTGAATGCCGCC[C>T]CAGGCACAGTCAATGCCGCTGCGAGTGCAGTGAATGCCACAGCAAGTGCAGTGACCGTCA-3'
Protein context (NP_055816.2, residues 2712-2732): NATVGTVNAA[Pro2722Ser]GTVNAAASAV